The following is an entry in ClinVar:

ClinVar aggregate classification (germline): Pathogenic. Review status: criteria provided, multiple submitters, no conflicts (2 of 4 stars). 2 submissions from 2 submitters: Pathogenic (2). Last evaluated 2023-05-08.

Conditions:
Familial adenomatous polyposis 1 (FAP1). Also called: FAMILIAL ADENOMATOUS POLYPOSIS 1, ATTENUATED; POLYPOSIS, ADENOMATOUS INTESTINAL. Identifiers: MedGen C2713442, MONDO:0021056, OMIM 175100. Disease mechanism: loss of function.

Submissions (2):

Myriad Genetics, Inc.
Classification: Pathogenic for Familial adenomatous polyposis 1. Last evaluated: 2023-05-08. Review status: criteria provided, single submitter. Criteria: Myriad Autosomal Dominant, Autosomal Recessive and X-Linked Classification Criteria (2023). Collection method: clinical testing. Allele origin: unknown.
Comment: This variant is considered pathogenic. This variant creates a termination codon and is predicted to result in premature protein truncation.

Labcorp Genetics (formerly Invitae), Labcorp
Classification: Pathogenic for Familial adenomatous polyposis 1. Last evaluated: 2020-03-18. Review status: criteria provided, single submitter. Criteria: Invitae Variant Classification Sherloc (09022015). Collection method: clinical testing. Allele origin: germline.
Comment: A different truncation (p.Tyr2645Lysfs*14) that lies downstream of this variant has been determined to be pathogenic (PMID: 9824584, 1316610, 27081525, 8381579, 22135120, Invitae). This suggests that deletion of this region of the APC protein is causative of disease. For these reasons, this variant has been classified as Pathogenic. This variant is expected to disrupt the EB1 and HDLG binding sites, which mediate interactions with the cytoskeleton (PMID: 15311282, 17293347). While functional studies have not been performed to directly test the effect on APC protein function, this suggests that disruption of the C-terminal portion of the protein is functionally important. This variant has not been reported in the literature in individuals with APC-related conditions. This variant is not present in population databases (ExAC no frequency). This sequence change results in a premature translational stop signal in the APC gene (p.Lys1085*). While this is not anticipated to result in nonsense mediated decay, it is expected to disrupt the last 1759 amino acids of the APC protein.

Literature cited by the submitters: PubMed 9824584 (cited by Labcorp Genetics (formerly Invitae), Labcorp); PubMed 1316610 (cited by Labcorp Genetics (formerly Invitae), Labcorp); PubMed 27081525 (cited by Labcorp Genetics (formerly Invitae), Labcorp); PubMed 8381579 (cited by Labcorp Genetics (formerly Invitae), Labcorp); PubMed 22135120 (cited by Labcorp Genetics (formerly Invitae), Labcorp); PubMed 15311282 (cited by Labcorp Genetics (formerly Invitae), Labcorp); PubMed 17293347 (cited by Labcorp Genetics (formerly Invitae), Labcorp).

NM_000038.6(APC):c.3252dup (p.Lys1085Ter)

Gene: APC (APC regulator of Wnt signaling pathway; plus strand). Cytogenetic location: 5q22.2.
Variant type: Duplication.
Coding change: c.3252dup on transcript NM_000038.6 (MANE Select); coding-DNA position 3252, one base duplicated (T; older notation c.3252dupT).
Protein change: p.Lys1085Ter; replaces lysine 1085 with a stop codon.
Molecular consequence: nonsense.
Genome position (GRCh38, 1-based): chr5:112,838,846, T duplicated. VCF-style (leftmost placement, unchanged base first): chr5-112838845-A-AT. GRCh37 (hg19) VCF-style: chr5-112174542-A-AT.
Other names: c.3252dup, p.Lys1085Ter (NM_001127510.3, NM_001354895.2); c.3198dup, p.Lys1067Ter (NM_001127511.3); c.3306dup, p.Lys1103Ter (NM_001354896.2); c.3282dup, p.Lys1095Ter (NM_001354897.2); c.3177dup, p.Lys1060Ter (NM_001354898.2); c.3168dup, p.Lys1057Ter (NM_001354899.2); c.3129dup, p.Lys1044Ter (NM_001354900.2); c.3075dup, p.Lys1026Ter (NM_001354901.2); and 5 more; short protein forms K1026*, K1044*, K1057*, K1060*, K1067*, K1085*, K1095*, K1103*.
Identifiers: ClinVar variation 1074518 (VCV001074518.11), dbSNP rs2149887995, ClinGen allele CA2499217469.
Genomic context (GRCh38, chr5:112,838,845, plus strand): 5'-AGCAAAGACAATCAAGGAATCAAAGTACAACTTATCCTGTTTATACTGAGAGCACTGATG[A>AT]TAAACACCTCAAGTTCCAACCACATTTTGGACAGCAGGAATGTGTTTCTCCATACAGGTC-3'